The following is an entry in ClinVar:

ClinVar aggregate classification (germline): Uncertain significance (1 of 4 stars; one submission).

Conditions:
Developmental and epileptic encephalopathy, 1 (DEE1). Also called: X-linked infantile spasms; West's syndrome; Tonic spasms with clustering, arrest of psychomotor development and hypsarrhythmia on EEG; X-Linked Infantile Spasm Syndrome; OHTAHARA SYNDROME, X-LINKED; INFANTILE SPASM SYNDROME, X-LINKED 1. Identifiers: MedGen C3463992, MONDO:0010632, OMIM 308350. Disease mechanism: loss of function.
Intellectual disability, X-linked, with or without seizures, ARX-related. Also called: INTELLECTUAL DEVELOPMENTAL DISORDER, X-LINKED 29; Mental retardation, X-linked 52; MENTAL RETARDATION, X-LINKED 29; MENTAL RETARDATION, X-LINKED 32; MENTAL RETARDATION, X-LINKED 33; MENTAL RETARDATION, X-LINKED 38. Identifiers: Orphanet 777, MedGen C0796244, MONDO:0010317, OMIM 300419.

Allele frequency attached by ClinVar (database versions not stated): TOPMed below 0.00001.

Submission:

Labcorp Genetics (formerly Invitae), Labcorp
Classification: Uncertain significance for Developmental and epileptic encephalopathy, 1; Intellectual disability, X-linked, with or without seizures, ARX-related. Last evaluated: 2022-03-26. Review status: criteria provided, single submitter. Criteria: Invitae Variant Classification Sherloc (09022015). Collection method: clinical testing. Allele origin: germline.
Comment: In summary, the available evidence is currently insufficient to determine the role of this variant in disease. Therefore, it has been classified as a Variant of Uncertain Significance. Advanced modeling of protein sequence and biophysical properties (such as structural, functional, and spatial information, amino acid conservation, physicochemical variation, residue mobility, and thermodynamic stability) performed at Invitae indicates that this missense variant is expected to disrupt ARX protein function. This variant has not been reported in the literature in individuals affected with ARX-related conditions. This variant is not present in population databases (gnomAD no frequency). This sequence change replaces alanine, which is neutral and non-polar, with threonine, which is neutral and polar, at codon 425 of the ARX protein (p.Ala425Thr).

NM_139058.3(ARX):c.1273G>A (p.Ala425Thr)

Gene: ARX (aristaless related homeobox; minus strand). Cytogenetic location: Xp21.3.
Variant type: single nucleotide variant.
Coding change: c.1273G>A on transcript NM_139058.3 (MANE Select); coding-DNA position 1273, G replaced by A.
Protein change: p.Ala425Thr; replaces alanine 425 with threonine.
Molecular consequence: missense variant.
Genome position (GRCh38, 1-based): chrX:25,007,286, C>T on the plus strand (G>A on the coding strand, the complement: ARX is on the minus strand). VCF-style: chrX-25007286-C-T. GRCh37 (hg19) VCF-style: chrX-25025403-C-T.
Other names: short protein forms A425T.
Identifiers: ClinVar variation 2117628 (VCV002117628.4), dbSNP rs2048682563, ClinGen allele CA412611357.
Genomic context (GRCh38, chrX:25,007,286, plus strand): 5'-GTAGGCTCGGGAAGGCGGCGGCGGCGGCGGCGGCAGCGGCAGTCCAAGCGGAGTCGAGCG[C>T]CGGGTGGTGCGGAGGGAAGGGGCTGGCGTCCAGGTAGGGGCTGAGCGGGTGGGTGGCGGA-3'
Protein context (NP_620689.1, residues 415-435): DASPFPPHHP[Ala425Thr]LDSAWTAAAA